The following is an entry in ClinVar:

NM_001987.5(ETV6):c.1123G>A (p.Gly375Arg)

Genes: ETV6 (ETS variant transcription factor 6; plus strand), LOC126861452 (CDK7 strongly-dependent group 2 enhancer GRCh37_chr12:12037195-12038394; plus strand). Cytogenetic location: 12p13.2.
Variant type: single nucleotide variant.
Coding change: c.1123G>A on transcript NM_001987.5 (MANE Select); coding-DNA position 1123, G replaced by A.
Protein change: p.Gly375Arg; replaces glycine 375 with arginine.
Molecular consequence: missense variant. On other transcripts: intron variant (1).
Genome position (GRCh38, 1-based): chr12:11,884,558, G>A. VCF-style: chr12-11884558-G-A. GRCh37 (hg19) VCF-style: chr12-12037492-G-A.
Other names: c.1120G>A, p.Gly374Arg (NM_001413913.1); c.1096G>A, p.Gly366Arg (NM_001413914.1); c.859G>A, p.Gly287Arg (NM_001413915.1); c.1010-6383G>A (NM_001413917.1); short protein forms G287R, G366R, G375R, G374R.
Identifiers: ClinVar variation 2521511 (VCV002521511.4), dbSNP rs2136596296, ClinGen allele CA384044722.

ClinVar aggregate classification (germline): Uncertain significance (1 of 4 stars; one submission).

Conditions:
Inborn genetic diseases. Identifiers: MedGen C0950123, MeSH D030342.

Allele frequency attached by ClinVar (database versions not stated): gnomAD exomes below 0.00001.
gnomAD v4.1: 1 of 1,614,152 alleles (0.000062%); highest among the groups gnomAD compares: Non-Finnish European, 0.000085%; no homozygotes.

Submission:

Ambry Genetics
Classification: Uncertain significance for Inborn genetic diseases. Last evaluated: 2025-08-18. Review status: criteria provided, single submitter. Criteria: Ambry Variant Classification Scheme 2023. Collection method: clinical testing. Allele origin: germline.
Comment: The p.G375R variant (also known as c.1123G>A), located in coding exon 6 of the ETV6 gene, results from a G to A substitution at nucleotide position 1123. The glycine at codon 375 is replaced by arginine, an amino acid with dissimilar properties. This amino acid position is highly conserved in available vertebrate species. In addition, the in silico prediction for this alteration is inconclusive. Based on the available evidence, the clinical significance of this variant remains unclear.